The following is an entry in ClinVar:

ClinVar aggregate classification (germline): Uncertain significance (1 of 4 stars; one submission).

Conditions:
Neurofibromatosis, type 1 (NF1). Also called: VON RECKLINGHAUSEN DISEASE; NEUROFIBROMATOSIS, TYPE I, SOMATIC; Peripheral type neurofibromatosis; Neurofibromatosis, type I. Identifiers: Orphanet 636, MedGen C0027831, MONDO:0018975, OMIM 162200. Disease mechanism: loss of function.

Submission:

Labcorp Genetics (formerly Invitae), Labcorp
Classification: Uncertain significance for Neurofibromatosis, type 1. Last evaluated: 2021-05-31. Review status: criteria provided, single submitter. Criteria: Invitae Variant Classification Sherloc (09022015). Collection method: clinical testing. Allele origin: germline.
Comment: This sequence change replaces aspartic acid with valine at codon 1944 of the NF1 protein (p.Asp1944Val). The aspartic acid residue is moderately conserved and there is a large physicochemical difference between aspartic acid and valine. This variant is not present in population databases (ExAC no frequency). This variant has not been reported in the literature in individuals with NF1-related conditions. Advanced modeling of protein sequence and biophysical properties (such as structural, functional, and spatial information, amino acid conservation, physicochemical variation, residue mobility, and thermodynamic stability) performed at Invitae indicates that this missense variant is expected to disrupt NF1 protein function. In summary, the available evidence is currently insufficient to determine the role of this variant in disease. Therefore, it has been classified as a Variant of Uncertain Significance.

NM_001042492.3(NF1):c.5894A>T (p.Asp1965Val)

Gene: NF1 (neurofibromin 1; plus strand). Cytogenetic location: 17q11.2.
Variant type: single nucleotide variant.
Coding change: c.5894A>T on transcript NM_001042492.3 (MANE Select); coding-DNA position 5894, A replaced by T.
Protein change: p.Asp1965Val; replaces aspartic acid 1965 with valine.
Molecular consequence: missense variant.
Genome position (GRCh38, 1-based): chr17:31,334,919, A>T. VCF-style: chr17-31334919-A-T. GRCh37 (hg19) VCF-style: chr17-29661937-A-T.
Other names: c.5831A>T, p.Asp1944Val (NM_000267.4); short protein forms D1965V, D1944V.
Identifiers: ClinVar variation 1495257 (VCV001495257.8), dbSNP rs2151550455, ClinGen allele CA399010740.